The following is an entry in ClinVar:

ClinVar aggregate classification (germline): Uncertain significance. Review status: criteria provided, multiple submitters, no conflicts (2 of 4 stars). 3 submissions from 3 submitters: Uncertain significance (3). Last evaluated 2024-06-12.

Conditions:
Classic or attenuated familial adenomatous polyposis. Identifiers: MedGen CN372698, MONDO:0021057.
Hereditary cancer-predisposing syndrome. Also called: Neoplastic Syndromes, Hereditary; Tumor predisposition; Hereditary neoplastic syndrome; Hereditary Cancer Syndrome. Identifiers: Orphanet 140162, MedGen C0027672, MeSH D009386, MONDO:0015356.
Familial adenomatous polyposis 1 (FAP1). Also called: POLYPOSIS, ADENOMATOUS INTESTINAL; FAMILIAL ADENOMATOUS POLYPOSIS 1, ATTENUATED. Identifiers: MedGen C2713442, MONDO:0021056, OMIM 175100. Disease mechanism: loss of function.

Submissions (3):

Ambry Genetics
Classification: Uncertain significance for Hereditary cancer-predisposing syndrome. Last evaluated: 2024-06-12. Review status: criteria provided, single submitter. Criteria: Ambry Variant Classification Scheme 2023. Collection method: clinical testing. Allele origin: germline.
Comment: The p.S1219F variant (also known as c.3656C>T), located in coding exon 15 of the APC gene, results from a C to T substitution at nucleotide position 3656. The serine at codon 1219 is replaced by phenylalanine, an amino acid with highly dissimilar properties. This amino acid position is not well conserved in available vertebrate species. In addition, in silico predictors for this gene do not accurately predict pathogenicity. Missense alterations in APC are not a common cause of disease (Spier I et al. Genet Med. 2024 Feb;26(2):100992). Since supporting evidence is limited at this time, the clinical significance of this alteration remains unclear.

Labcorp Genetics (formerly Invitae), Labcorp
Classification: Uncertain significance for Familial adenomatous polyposis 1. Last evaluated: 2023-10-29. Review status: criteria provided, single submitter. Criteria: Invitae Variant Classification Sherloc (09022015). Collection method: clinical testing. Allele origin: germline.
Comment: This sequence change replaces serine, which is neutral and polar, with phenylalanine, which is neutral and non-polar, at codon 1219 of the APC protein (p.Ser1219Phe). This variant is not present in population databases (gnomAD no frequency). This variant has not been reported in the literature in individuals affected with APC-related conditions. ClinVar contains an entry for this variant (Variation ID: 824035). Advanced modeling of protein sequence and biophysical properties (such as structural, functional, and spatial information, amino acid conservation, physicochemical variation, residue mobility, and thermodynamic stability) performed at Invitae indicates that this missense variant is not expected to disrupt APC protein function with a negative predictive value of 95%. In summary, the available evidence is currently insufficient to determine the role of this variant in disease. Therefore, it has been classified as a Variant of Uncertain Significance.

All of Us Research Program, National Institutes of Health
Classification: Uncertain significance for Classic or attenuated familial adenomatous polyposis. Last evaluated: 2023-08-15. Review status: criteria provided, single submitter. Criteria: ACMG Guidelines, 2015. Collection method: clinical testing. Allele origin: germline. Inheritance: Autosomal dominant inheritance. Observed: 1 variant allele, 1 heterozygote.
Comment: This missense variant replaces serine with phenylalanine at codon 1219 of the APC protein. Computational prediction suggests that this variant may not impact protein structure and function (internally defined REVEL score threshold <= 0.5, PMID: 27666373). To our knowledge, functional studies have not been reported for this variant. This variant has not been reported in individuals affected with APC-related disorders in the literature. This variant has not been identified in the general population by the Genome Aggregation Database (gnomAD). The available evidence is insufficient to determine the role of this variant in disease conclusively. Therefore, this variant is classified as a Variant of Uncertain Significance.

This study involves interpretation of variants in research participants for the purpose of population health screening. Participant phenotype was not available at the time of variant classification. Additional details can be found in publication PMID: 35346344, PMCID: PMC8962531

NM_000038.6(APC):c.3656C>T (p.Ser1219Phe)

Gene: APC (APC regulator of Wnt signaling pathway; plus strand). Cytogenetic location: 5q22.2.
Variant type: single nucleotide variant.
Coding change: c.3656C>T on transcript NM_000038.6 (MANE Select); coding-DNA position 3656, C replaced by T.
Protein change: p.Ser1219Phe; replaces serine 1219 with phenylalanine.
Molecular consequence: missense variant.
Genome position (GRCh38, 1-based): chr5:112,839,250, C>T. VCF-style: chr5-112839250-C-T. GRCh37 (hg19) VCF-style: chr5-112174947-C-T.
Other names: c.3353C>T, p.Ser1118Phe (NM_001354903.2); c.3176C>T, p.Ser1059Phe (NM_001354905.2); c.2807C>T, p.Ser936Phe (NM_001354906.2); c.3278C>T, p.Ser1093Phe (NM_001354904.2); c.3656C>T, p.Ser1219Phe (NM_001127510.3, NM_001354895.2); c.3602C>T, p.Ser1201Phe (NM_001127511.3); c.3710C>T, p.Ser1237Phe (NM_001354896.2); c.3686C>T, p.Ser1229Phe (NM_001354897.2); and 5 more; short protein forms S1128F, S1191F, S1229F, S1194F, S1201F, S1219F, S1059F, S1093F.
Identifiers: ClinVar variation 824035 (VCV000824035.17), dbSNP rs1064793930, ClinGen allele CA16029364.